The following is an entry in ClinVar:

ClinVar aggregate classification (germline): Benign (0 of 4 stars; one submission).

Conditions:
KALRN-related disorder. Also called: KALRN-related condition.

Allele frequency attached by ClinVar (database versions not stated): ExAC 0.61723; ESP Exome Variant Server 0.63263; gnomAD 0.64312; TOPMed 0.65846; 1000 Genomes Project 30x 0.70175; 1000 Genomes Project 0.70627.
gnomAD v4.1: 944,327 of 1,613,576 alleles (59%); highest among the groups gnomAD compares: East Asian, 90%; 281,664 homozygotes.

Submission:

PreventionGenetics, part of Exact Sciences
Classification: Benign for KALRN-related condition. Last evaluated: 2019-10-17. Review status: no assertion criteria provided. Collection method: clinical testing. Allele origin: germline.
Comment: This variant is classified as benign based on ACMG/AMP sequence variant interpretation guidelines (Richards et al. 2015 PMID: 25741868, with internal and published modifications).

NM_001388419.1(KALRN):c.5232G>A (p.Val1744=)

Gene: KALRN (kalirin RhoGEF kinase; plus strand). Cytogenetic location: 3q21.2.
Variant type: single nucleotide variant.
Coding change: c.5232G>A on transcript NM_001388419.1 (MANE Select); coding-DNA position 5232, G replaced by A.
Protein change: p.Val1744=; no amino-acid change (valine 1744 retained).
Molecular consequence: synonymous variant.
Genome position (GRCh38, 1-based): chr3:124,632,469, G>A. VCF-style: chr3-124632469-G-A. GRCh37 (hg19) VCF-style: chr3-124351316-G-A.
Other names: c.5226G>A, p.Val1742= (NM_001024660.5, NM_001322988.2); c.135G>A, p.Val45= (NM_001322993.2, NM_001322994.2, NM_001322995.2 and 7 more transcripts); c.3303G>A, p.Val1101= (NM_001388412.1).
Identifiers: ClinVar variation 3060857 (VCV003060857.2), dbSNP rs1708303, ClinGen allele CA2580405.